The following is an entry in ClinVar:

NM_001276270.2(MBD4):c.65_67dup (p.Ser22_Ser23insThr)

Gene: MBD4 (methyl-CpG binding domain 4, DNA glycosylase; minus strand). Cytogenetic location: 3q21.3.
Variant type: Duplication.
Coding change: c.65_67dup on transcript NM_001276270.2 (MANE Select); coding-DNA positions 65 to 67, 3 bases duplicated (CTA; older notation c.65_67dupCTA).
Protein change: p.Ser22_Ser23insThr.
Genome position (GRCh38, 1-based): chr3:129,439,767-129,439,769, TAG duplicated on the plus strand (CTA on the coding strand, the reverse complement: MBD4 is on the minus strand). VCF-style (leftmost placement, unchanged base first): chr3-129439766-C-CTAG. GRCh37 (hg19) VCF-style: chr3-129158609-C-CTAG.
Other names: c.65_67dup, p.Ser22_Ser23insThr (NM_001276271.2, NM_001276272.2, NM_001276273.2 and 1 more transcripts); c.65_67dupCTA (NM_001276270.2).
Identifiers: ClinVar variation 4052187 (VCV004052187.1).

ClinVar aggregate classification (germline): Uncertain significance (1 of 4 stars; one submission).

Conditions:
Inborn genetic diseases. Identifiers: MedGen C0950123, MeSH D030342.

Submission:

Ambry Genetics
Classification: Uncertain significance for Inborn genetic diseases. Last evaluated: 2025-04-30. Review status: criteria provided, single submitter. Criteria: Ambry Variant Classification Scheme 2023. Collection method: clinical testing. Allele origin: germline.
Comment: The c.65_67dupCTA variant (also known as p.S22_S23insT), located in coding exon 1 of the MBD4 gene, results from an in-frame duplication of CTA at nucleotide positions 65 to 67. This results in the deletion of two amino acids and an insertion of one amino acid at codons 22 and 23. This amino acid region is not well conserved in available vertebrate species. In addition, this alteration is predicted to be neutral by in silico analysis (Choi Y et al. PLoS ONE. 2012; 7(10):e46688). Based on the available evidence, the clinical significance of this variant remains unclear.